The following is an entry in ClinVar:

ClinVar aggregate classification (germline): Uncertain significance (1 of 4 stars; one submission).

Conditions:
Early-infantile DEE. Also called: Early infantile epileptic encephalopathy; Early infantile epileptic encephalopathy with suppression bursts; Ohtahara syndrome. Identifiers: Orphanet 1934, MedGen C0393706, MONDO:0800491.

Submission:

Labcorp Genetics (formerly Invitae), Labcorp
Classification: Uncertain significance for Early-infantile DEE. Last evaluated: 2022-08-23. Review status: criteria provided, single submitter. Criteria: Invitae Variant Classification Sherloc (09022015). Collection method: clinical testing. Allele origin: germline.
Comment: In summary, the available evidence is currently insufficient to determine the role of this variant in disease. Therefore, it has been classified as a Variant of Uncertain Significance. Algorithms developed to predict the effect of missense changes on protein structure and function are either unavailable or do not agree on the potential impact of this missense change (SIFT: "Deleterious"; PolyPhen-2: "Benign"; Align-GVGD: "Class C0"). ClinVar contains an entry for this variant (Variation ID: 405207). This variant has not been reported in the literature in individuals affected with KCNQ2-related conditions. This variant is not present in population databases (gnomAD no frequency). This sequence change replaces alanine, which is neutral and non-polar, with aspartic acid, which is acidic and polar, at codon 404 of the KCNQ2 protein (p.Ala404Asp).

NM_172107.4(KCNQ2):c.1211C>A (p.Ala404Asp)

Gene: KCNQ2 (potassium voltage-gated channel subfamily Q member 2; minus strand). Cytogenetic location: 20q13.33.
Variant type: single nucleotide variant.
Coding change: c.1211C>A on transcript NM_172107.4 (MANE Select); coding-DNA position 1211, C replaced by A.
Protein change: p.Ala404Asp; replaces alanine 404 with aspartic acid.
Molecular consequence: missense variant.
Genome position (GRCh38, 1-based): chr20:63,428,373, G>T on the plus strand (C>A on the coding strand, the complement: KCNQ2 is on the minus strand). VCF-style: chr20-63428373-G-T. GRCh37 (hg19) VCF-style: chr20-62059726-G-T.
Other names: c.1181C>A, p.Ala394Asp (NM_004518.6); c.1211C>A, p.Ala404Asp (NM_172106.3, NM_172108.5); short protein forms A404D, A394D.
Identifiers: ClinVar variation 405207 (VCV000405207.9), dbSNP rs1060500601, ClinGen allele CA16616253.